The following is an entry in ClinVar:

NM_003978.5(PSTPIP1):c.307C>T (p.Arg103Trp)

Gene: PSTPIP1 (proline-serine-threonine phosphatase interacting protein 1; plus strand). Cytogenetic location: 15q24.3.
Variant type: single nucleotide variant.
Coding change: c.307C>T on transcript NM_003978.5 (MANE Select); coding-DNA position 307, C replaced by T.
Protein change: p.Arg103Trp; replaces arginine 103 with tryptophan.
Molecular consequence: missense variant. On other transcripts: non-coding transcript variant (1).
Genome position (GRCh38, 1-based): chr15:77,025,557, C>T. VCF-style: chr15-77025557-C-T. GRCh37 (hg19) VCF-style: chr15-77317898-C-T.
Other names: c.307C>T, p.Arg103Trp (NM_001321135.2); c.280C>T, p.Arg94Trp (NM_001321136.2); c.502C>T, p.Arg168Trp (NM_001321137.1); short protein forms R103W, R94W, R168W.
Identifiers: ClinVar variation 546759 (VCV000546759.53), dbSNP rs768395688, ClinGen allele CA7675773.

ClinVar aggregate classification (germline): Uncertain significance. Review status: criteria provided, multiple submitters, no conflicts (2 of 4 stars). 4 submissions from 4 submitters: Uncertain significance (4). Last evaluated 2026-01-17.

Conditions:
Pyogenic arthritis-pyoderma gangrenosum-acne syndrome (PAPA). Also called: FAMILIAL RECURRENT ARTHRITIS; PAPA SYNDROME. Identifiers: Orphanet 69126, MedGen C1858361, MONDO:0011462, OMIM 604416.

Allele frequency attached by ClinVar (database versions not stated): ExAC 0.00004; gnomAD 0.00007 and 0.00008; TOPMed 0.00007.
gnomAD v4.1: 107 of 1,554,224 alleles (0.0069%); highest among the groups gnomAD compares: Non-Finnish European, 0.0088%; no homozygotes.

Submissions (4):

Labcorp Genetics (formerly Invitae), Labcorp
Classification: Uncertain significance for Pyogenic arthritis-pyoderma gangrenosum-acne syndrome. Last evaluated: 2026-01-17. Review status: criteria provided, single submitter. Criteria: Invitae Variant Classification Sherloc (09022015). Collection method: clinical testing. Allele origin: germline.
Comment: This sequence change replaces arginine, which is basic and polar, with tryptophan, which is neutral and slightly polar, at codon 103 of the PSTPIP1 protein (p.Arg103Trp). The frequency data for this variant in the population databases is considered unreliable, as metrics indicate poor data quality at this position in the gnomAD database. This variant has not been reported in the literature in individuals affected with PSTPIP1-related conditions. ClinVar contains an entry for this variant (Variation ID: 546759). Invitae Evidence Modeling of protein sequence and biophysical properties (such as structural, functional, and spatial information, amino acid conservation, physicochemical variation, residue mobility, and thermodynamic stability) indicates that this missense variant is not expected to disrupt PSTPIP1 protein function with a negative predictive value of 80%. In summary, the available evidence is currently insufficient to determine the role of this variant in disease. Therefore, it has been classified as a Variant of Uncertain Significance.

Blueprint Genetics
Classification: Uncertain significance. Last evaluated: 2024-09-02. Review status: criteria provided, single submitter. Criteria: ACMG Guidelines, 2015. Collection method: clinical testing. Allele origin: germline.

CeGaT Center for Human Genetics Tuebingen
Classification: Uncertain significance. Last evaluated: 2018-05-01. Review status: criteria provided, single submitter. Criteria: CeGaT Center For Human Genetics Tuebingen Variant Classification Criteria Version 2. Collection method: clinical testing. Allele origin: germline. Affected: yes. Observed: 4 variant alleles.

Illumina Laboratory Services, Illumina
Classification: Uncertain significance for Pyogenic arthritis-pyoderma gangrenosum-acne syndrome. Last evaluated: 2018-01-12. Review status: criteria provided, single submitter. Criteria: ICSL Variant Classification Criteria 13 December 2019. Collection method: clinical testing. Allele origin: germline.